The following is an entry in ClinVar:

ClinVar aggregate classification (germline): Uncertain significance (1 of 4 stars; one submission).

Conditions:
Methylmalonic acidemia due to transcobalamin receptor defect (MATR). Also called: METHYLMALONIC ACIDEMIA, TCblR TYPE; METHYLMALONIC ACIDURIA, TRANSIENT, DUE TO TRANSCOBALAMIN RECEPTOR DEFECT. Identifiers: Orphanet 280183, MedGen C4749905, MONDO:0013341, OMIM 613646.

gnomAD v4.1: 2 of 1,604,634 alleles (0.00012%); highest among the groups gnomAD compares: Non-Finnish European, 0.00017%; no homozygotes.

Submission:

Labcorp Genetics (formerly Invitae), Labcorp
Classification: Uncertain significance for Methylmalonic acidemia due to transcobalamin receptor defect. Last evaluated: 2025-10-24. Review status: criteria provided, single submitter. Criteria: Invitae Variant Classification Sherloc (09022015). Collection method: clinical testing. Allele origin: germline.
Comment: This sequence change replaces cysteine, which is neutral and slightly polar, with phenylalanine, which is neutral and non-polar, at codon 145 of the CD320 protein (p.Cys145Phe). The frequency data for this variant in the population databases is considered unreliable, as metrics indicate poor data quality at this position in the gnomAD database. This variant has not been reported in the literature in individuals affected with CD320-related conditions. An algorithm developed to predict the effect of missense changes on protein structure and function (PolyPhen-2) suggests that this variant is likely to be disruptive. In summary, the available evidence is currently insufficient to determine the role of this variant in disease. Therefore, it has been classified as a Variant of Uncertain Significance.

NM_016579.4(CD320):c.434G>T (p.Cys145Phe)

Gene: CD320 (CD320 molecule; minus strand). Cytogenetic location: 19p13.2.
Variant type: single nucleotide variant.
Coding change: c.434G>T on transcript NM_016579.4 (MANE Select); coding-DNA position 434, G replaced by T.
Protein change: p.Cys145Phe; replaces cysteine 145 with phenylalanine.
Molecular consequence: missense variant.
Genome position (GRCh38, 1-based): chr19:8,303,923, C>A on the plus strand (G>T on the coding strand, the complement: CD320 is on the minus strand). VCF-style: chr19-8303923-C-A. GRCh37 (hg19) VCF-style: chr19-8368807-C-A.
Other names: c.308G>T, p.Cys103Phe (NM_001165895.2); short protein forms C103F, C145F.
Identifiers: ClinVar variation 4753188 (VCV004753188.1).